The following is an entry in ClinVar:

NM_006231.4(POLE):c.172G>A (p.Glu58Lys)

Gene: POLE (DNA polymerase epsilon, catalytic subunit; minus strand). Cytogenetic location: 12q24.33.
Variant type: single nucleotide variant.
Coding change: c.172G>A on transcript NM_006231.4 (MANE Select); coding-DNA position 172, G replaced by A.
Protein change: p.Glu58Lys; replaces glutamic acid 58 with lysine.
Molecular consequence: missense variant.
Genome position (GRCh38, 1-based): chr12:132,681,170, C>T on the plus strand (G>A on the coding strand, the complement: POLE is on the minus strand). VCF-style: chr12-132681170-C-T. GRCh37 (hg19) VCF-style: chr12-133257756-C-T.
Other names: c.172G>A (NM_006231.2); short protein forms E58K.
Identifiers: ClinVar variation 639066 (VCV000639066.10), dbSNP rs1316755014, ClinGen allele CA387369817.
Genomic context (GRCh38, chr12:132,681,170, plus strand): 5'-CTGGGTGGGAGAAGGACCTAGTGCTTACAGGATGCATGTTAATGAGCCAGCCTGTCTTCT[C>T]ACCAGGCTCCTTCAGCCGCTCAAAACCAAACCGCAAATCCATCTTATCCGTCCACTGACT-3'
Protein context (NP_006222.2, residues 48-68): FGFERLKEPG[Glu58Lys]KTGWLINMHP

ClinVar aggregate classification (germline): Conflicting classifications of pathogenicity. Review status: criteria provided, conflicting classifications (1 of 4 stars). 3 submissions from 3 submitters: Pathogenic (1); Uncertain significance (2). Last evaluated 2026-01-05.

Conditions:
Facial dysmorphism-immunodeficiency-livedo-short stature syndrome. Also called: FILS syndrome; Facial dysmorphism, immunodeficiency, livedo, and short stature. Identifiers: Orphanet 352712, MedGen C3554576, MONDO:0014058, OMIM 615139.
Hereditary cancer-predisposing syndrome. Also called: Neoplastic Syndromes, Hereditary; Tumor predisposition; Hereditary Cancer Syndrome; Hereditary neoplastic syndrome. Identifiers: Orphanet 140162, MedGen C0027672, MeSH D009386, MONDO:0015356.

Allele frequency attached by ClinVar (database versions not stated): gnomAD exomes below 0.00001; TOPMed below 0.00001.
gnomAD v4.1: 1 of 1,614,152 alleles (0.000062%); highest among the groups gnomAD compares: African/African-American, 0.0013%; no homozygotes.

Submissions (3):

Labcorp Genetics (formerly Invitae), Labcorp
Classification: Pathogenic. Last evaluated: 2026-01-05. Review status: criteria provided, single submitter. Criteria: Invitae Variant Classification Sherloc (09022015). Collection method: clinical testing. Allele origin: germline.
Comment: This sequence change replaces glutamic acid, which is acidic and polar, with lysine, which is basic and polar, at codon 58 of the POLE protein (p.Glu58Lys). RNA analysis indicates that this missense change induces altered splicing and may result in an absent or altered protein product. This variant is present in population databases (no rsID available, gnomAD 0.007%). This variant has not been reported in the literature in individuals affected with POLE-related conditions. ClinVar contains an entry for this variant (Variation ID: 639066). Invitae Evidence Modeling of protein sequence and biophysical properties (such as structural, functional, and spatial information, amino acid conservation, physicochemical variation, residue mobility, and thermodynamic stability) indicates that this missense variant is not expected to disrupt POLE protein function with a negative predictive value of 80%. Studies have shown that this missense change results in activation of a cryptic splice site, and produces a non-functional protein and/or introduces a premature termination codon (internal data). For these reasons, this variant has been classified as Pathogenic.

Ambry Genetics
Classification: Uncertain significance for Hereditary cancer-predisposing syndrome. Last evaluated: 2025-01-17. Review status: criteria provided, single submitter. Criteria: Ambry Variant Classification Scheme 2023. Collection method: clinical testing. Allele origin: germline.
Comment: The c.172G>A variant (also known as p.E58K), located in coding exon 2 of the POLE gene, results from a G to A substitution at nucleotide position 172. The glutamic acid at codon 58 is replaced by lysine, an amino acid with similar properties. This nucleotide position is highly conserved in available vertebrate species. In silico splice site analysis predicts that this alteration will weaken the native splice donor site. RNA studies have demonstrated that this alteration results in an incomplete splice defect; the clinical impact of this abnormal splicing is unknown at this time (Ambry internal data). Based on the available evidence, the clinical significance of this variant remains unclear.

Baylor Genetics
Classification: Uncertain significance for Facial dysmorphism-immunodeficiency-livedo-short stature syndrome. Last evaluated: 2021-11-23. Review status: criteria provided, single submitter. Criteria: ACMG Guidelines, 2015. Collection method: clinical testing. Allele origin: unknown. Affected: yes. Study: CSER-TexasKidsCanSeq.
Comment: This variant was determined to be of uncertain significance according to ACMG Guidelines, 2015 [PMID:25741868].